The following is an entry in ClinVar:

ClinVar aggregate classification (germline): Uncertain significance. Review status: criteria provided, multiple submitters, no conflicts (2 of 4 stars). 2 submissions from 2 submitters: Uncertain significance (2). Last evaluated 2025-04-17.

Conditions:
Inborn genetic diseases. Identifiers: MedGen C0950123, MeSH D030342.

Allele frequency attached by ClinVar (database versions not stated): ExAC 0.00001; gnomAD exomes 0.00002; TOPMed 0.00003; gnomAD 0.00003.
gnomAD v4.1: 35 of 1,614,018 alleles (0.0022%); highest among the groups gnomAD compares: Non-Finnish European, 0.0025%; no homozygotes.

Submissions (2):

Labcorp Genetics (formerly Invitae), Labcorp
Classification: Uncertain significance. Last evaluated: 2025-04-17. Review status: criteria provided, single submitter. Criteria: Invitae Variant Classification Sherloc (09022015). Collection method: clinical testing. Allele origin: germline.
Comment: This sequence change replaces valine, which is neutral and non-polar, with isoleucine, which is neutral and non-polar, at codon 1524 of the DIP2C protein (p.Val1524Ile). This variant is present in population databases (rs762737938, gnomAD 0.01%). This variant has not been reported in the literature in individuals affected with DIP2C-related conditions. ClinVar contains an entry for this variant (Variation ID: 3022797). An algorithm developed to predict the effect of missense changes on protein structure and function (PolyPhen-2) suggests that this variant is likely to be tolerated. In summary, the available evidence is currently insufficient to determine the role of this variant in disease. Therefore, it has been classified as a Variant of Uncertain Significance.

Ambry Genetics
Classification: Uncertain significance for Inborn genetic diseases. Last evaluated: 2024-04-27. Review status: criteria provided, single submitter. Criteria: Ambry Variant Classification Scheme 2023. Collection method: clinical testing. Allele origin: germline.

NM_014974.3(DIP2C):c.4570G>A (p.Val1524Ile)

Gene: DIP2C (DIP2 acetate--CoA ligase C (putative); minus strand). Cytogenetic location: 10p15.3.
Variant type: single nucleotide variant.
Coding change: c.4570G>A on transcript NM_014974.3 (MANE Select); coding-DNA position 4570, G replaced by A.
Protein change: p.Val1524Ile; replaces valine 1524 with isoleucine.
Molecular consequence: missense variant.
Genome position (GRCh38, 1-based): chr10:277,426, C>T on the plus strand (G>A on the coding strand, the complement: DIP2C is on the minus strand). VCF-style: chr10-277426-C-T. GRCh37 (hg19) VCF-style: chr10-323366-C-T.
Other names: c.4570G>A (NM_014974.2); short protein forms V1524I.
Identifiers: ClinVar variation 3022797 (VCV003022797.4), dbSNP rs762737938, ClinGen allele CA5379381.